The following is an entry in ClinVar:

ClinVar aggregate classification (germline): Uncertain significance. Review status: criteria provided, multiple submitters, no conflicts (2 of 4 stars). 6 submissions from 6 submitters: Uncertain significance (6). Last evaluated 2026-06-01.

Conditions:
DSE-related disorder. Also called: DSE-related condition.
Inborn genetic diseases. Identifiers: MedGen C0950123, MeSH D030342.
Ehlers-Danlos syndrome, musculocontractural type 2 (EDSMC2). Identifiers: Orphanet 2953, MedGen C3809845, MONDO:0014236, OMIM 615539.
Ehlers-Danlos syndrome, musculocontractural type (EDSMC). Also called: ADDUCTED THUMB-CLUBFOOT SYNDROME; ARTHROGRYPOSIS, DISTAL, WITH PECULIAR FACIES AND HYDRONEPHROSIS; Adducted thumb, clubfoot, progressive joint and skin laxity syndrome; DUNDAR SYNDROME. Identifiers: Orphanet 2953, MedGen C1866294, MONDO:0011142.

Allele frequency attached by ClinVar (database versions not stated): gnomAD exomes 0.00014 and 0.00015; ESP Exome Variant Server 0.00015; ExAC 0.00021; gnomAD 0.00011; TOPMed 0.00011.
gnomAD v4.1: 222 of 1,613,318 alleles (0.014%); highest among the groups gnomAD compares: Non-Finnish European, 0.018%; no homozygotes.

Submissions (6):

Women's Health and Genetics/Laboratory Corporation of America, LabCorp
Classification: Uncertain significance. Last evaluated: 2026-06-01. Review status: criteria provided, single submitter. Criteria: LabCorp Variant Classification Summary - May 2015. Collection method: clinical testing. Allele origin: germline.
Comment: Variant summary: DSE c.2842T>C (p.Trp948Arg) results in a non-conservative amino acid change in the encoded protein sequence. Algorithms developed to predict the effect of missense changes on protein structure and function are either unavailable or do not agree on the potential impact of this missense change. The variant allele was found at a frequency of 0.00015 in 249734 control chromosomes, predominantly at a frequency of 0.00033 within the Non-Finnish European subpopulation in the gnomAD database. This frequency is not significantly higher than estimated for disease-causing variants in DSE, allowing no conclusion about variant significance. To our knowledge, no occurrence of c.2842T>C in individuals affected with DSE-related conditions and no experimental evidence demonstrating its impact on protein function have been reported. ClinVar contains an entry for this variant (Variation ID: 450141). Based on the evidence outlined above, the variant was classified as uncertain significance.

Mayo Clinic Laboratories, Mayo Clinic
Classification: Uncertain significance. Last evaluated: 2025-08-27. Review status: criteria provided, single submitter. Criteria: ACMG Guidelines, 2015. Collection method: clinical testing. Allele origin: germline. Observed: 2 variant alleles.

GeneDx
Classification: Uncertain significance. Last evaluated: 2025-05-13. Review status: criteria provided, single submitter. Criteria: GeneDx Variant Classification Process June 2021. Collection method: clinical testing. Allele origin: germline. Affected: yes.
Comment: In silico analysis suggests that this missense variant does not alter protein structure/function; Has not been previously published as pathogenic or benign to our knowledge

Ambry Genetics
Classification: Uncertain significance for Inborn genetic diseases. Last evaluated: 2025-05-01. Review status: criteria provided, single submitter. Criteria: Ambry Variant Classification Scheme 2023. Collection method: clinical testing. Allele origin: germline.

PreventionGenetics, part of Exact Sciences
Classification: Uncertain significance for DSE-related condition. Last evaluated: 2025-04-03. Review status: criteria provided, single submitter. Criteria: ACMG Guidelines, 2015. Collection method: clinical testing. Allele origin: germline.
Comment: The DSE c.2842T>C variant is predicted to result in the amino acid substitution p.Trp948Arg. To our knowledge, this variant has not been reported in the literature. This variant is reported in 0.032% of alleles in individuals of European (Non-Finnish) descent in gnomAD. At this time, the clinical significance of this variant is uncertain due to the absence of conclusive functional and genetic evidence.

Labcorp Genetics (formerly Invitae), Labcorp
Classification: Uncertain significance for Ehlers-Danlos syndrome, musculocontractural type 2. Last evaluated: 2022-07-12. Review status: criteria provided, single submitter. Criteria: Invitae Variant Classification Sherloc (09022015). Collection method: clinical testing. Allele origin: germline.
Comment: This sequence change replaces tryptophan with arginine at codon 948 of the DSE protein (p.Trp948Arg). The tryptophan residue is highly conserved and there is a moderate physicochemical difference between tryptophan and arginine. This variant is present in population databases (rs146336077, gnomAD 0.03%). This variant has not been reported in the literature in individuals affected with DSE-related conditions. ClinVar contains an entry for this variant (Variation ID: 450141). Algorithms developed to predict the effect of missense changes on protein structure and function are either unavailable or do not agree on the potential impact of this missense change (SIFT: "Not Available"; PolyPhen-2: "Possibly Damaging"; Align-GVGD: "Not Available"). In summary, the available evidence is currently insufficient to determine the role of this variant in disease. Therefore, it has been classified as a Variant of Uncertain Significance.

NM_013352.4(DSE):c.2842T>C (p.Trp948Arg)

Gene: DSE (dermatan sulfate epimerase; plus strand). Cytogenetic location: 6q22.1.
Variant type: single nucleotide variant.
Coding change: c.2842T>C on transcript NM_013352.4 (MANE Select); coding-DNA position 2842, T replaced by C.
Protein change: p.Trp948Arg; replaces tryptophan 948 with arginine.
Molecular consequence: missense variant. On other transcripts: 3 prime UTR variant (2), non-coding transcript variant (1).
Genome position (GRCh38, 1-based): chr6:116,437,310, T>C. VCF-style: chr6-116437310-T-C. GRCh37 (hg19) VCF-style: chr6-116758473-T-C.
Other names: p.Trp948Arg; c.2842T>C (NM_013352.3); c.2842T>C, p.Trp948Arg (NM_001080976.3, NM_001322937.2, NM_001322938.2); c.2899T>C, p.Trp967Arg (NM_001322939.2); c.2281T>C, p.Trp761Arg (NM_001322940.2, NM_001322941.2); c.*1707T>C (NM_001322943.2, NM_001322944.2); c.1843T>C, p.Trp615Arg (NM_001374520.1); c.1807T>C, p.Trp603Arg (NM_001374521.1); short protein forms W948R, W761R, W967R, W603R, W615R.
Identifiers: ClinVar variation 450141 (VCV000450141.14), dbSNP rs146336077, ClinGen allele CA3969878.